The following is an entry in ClinVar:

NM_006828.4(ASCC3):c.4055_4056del (p.Gly1352fs)

Gene: ASCC3 (activating signal cointegrator 1 complex subunit 3; minus strand). Cytogenetic location: 6q16.3.
Variant type: Deletion.
Coding change: c.4055_4056del on transcript NM_006828.4 (MANE Select); coding-DNA positions 4055 to 4056, 2 bases deleted (GA; older notation c.4055_4056delGA).
Protein change: p.Gly1352fs; shifts the reading frame from glycine 1352.
Molecular consequence: frameshift variant.
Genome position (GRCh38, 1-based): chr6:100,638,667-100,638,668, TC deleted on the plus strand (GA on the coding strand, the reverse complement: ASCC3 is on the minus strand). VCF-style (leftmost placement, unchanged base first): chr6-100638666-ATC-A. GRCh37 (hg19) VCF-style: chr6-101086542-ATC-A.
Other names: short protein forms G1352fs.
Identifiers: ClinVar variation 1800734 (VCV001800734.1), dbSNP rs867753896, ClinGen allele CA143994193.
Genomic context (GRCh38, chr6:100,638,666, plus strand): 5'-AAGTAGGGTATTTGTTGAAGACTCTGAAAATGGCTAATTCAGCTGCAACAGTCTTTCCCG[ATC>A]CAGTAGGTGCTCCAAGTAGGACATTACAATCCGTGTGATACAATGTATGAAATATTTGTG-3'

ClinVar aggregate classification (germline): Uncertain significance (1 of 4 stars; one submission).

Allele frequency attached by ClinVar (database versions not stated): gnomAD exomes below 0.00001; TOPMed below 0.00001; ESP Exome Variant Server 0.00008.

Submission:

GeneDx
Classification: Uncertain significance. Last evaluated: 2022-05-16. Review status: criteria provided, single submitter. Criteria: GeneDx Variant Classification Process June 2021. Collection method: clinical testing. Allele origin: germline. Affected: yes.
Comment: Not observed at significant frequency in large population cohorts (gnomAD); Frameshift variant predicted to result in protein truncation or nonsense mediated decay in a gene or region of a gene for which loss of function is not a well-established mechanism of disease; Has not been previously published as pathogenic or benign to our knowledge